The following is an entry in ClinVar:

NM_004168.4(SDHA):c.1733C>T (p.Thr578Ile)

Gene: SDHA (succinate dehydrogenase complex flavoprotein subunit A; plus strand). Cytogenetic location: 5p15.33.
Variant type: single nucleotide variant.
Coding change: c.1733C>T on transcript NM_004168.4 (MANE Select); coding-DNA position 1733, C replaced by T.
Protein change: p.Thr578Ile; replaces threonine 578 with isoleucine.
Molecular consequence: missense variant. On other transcripts: intron variant (1).
Genome position (GRCh38, 1-based): chr5:251,407, C>T. VCF-style: chr5-251407-C-T. GRCh37 (hg19) VCF-style: chr5-251522-C-T.
Other names: c.1589C>T, p.Thr530Ile (NM_001294332.2); c.1552-2986C>T (NM_001330758.2); short protein forms T530I, T578I.
Identifiers: ClinVar variation 1519923 (VCV001519923.10), dbSNP rs1349207461, ClinGen allele CA359000174.

ClinVar aggregate classification (germline): Uncertain significance. Review status: criteria provided, multiple submitters, no conflicts (2 of 4 stars). 2 submissions from 2 submitters: Uncertain significance (2). Last evaluated 2024-03-19.

Conditions:
Mitochondrial complex II deficiency, nuclear type 1. Also called: SUCCINATE CoQ REDUCTASE DEFICIENCY. Identifiers: Orphanet 3208, MedGen C5700310, MONDO:0100294, OMIM 252011.
Pheochromocytoma/paraganglioma syndrome 5. Also called: Paragangliomas 5; SDHA-Related Hereditary Paraganglioma-Pheochromocytoma Syndrome. Identifiers: Orphanet 29072, MedGen C3279992, MONDO:0013602, OMIM 614165.
Hereditary cancer-predisposing syndrome. Also called: Neoplastic Syndromes, Hereditary; Hereditary Cancer Syndrome; Hereditary neoplastic syndrome; Tumor predisposition. Identifiers: Orphanet 140162, MedGen C0027672, MeSH D009386, MONDO:0015356.

Allele frequency attached by ClinVar (database versions not stated): gnomAD exomes below 0.00001.

Submissions (2):

Labcorp Genetics (formerly Invitae), Labcorp
Classification: Uncertain significance for Pheochromocytoma/paraganglioma syndrome 5; Mitochondrial complex II deficiency, nuclear type 1. Last evaluated: 2024-03-19. Review status: criteria provided, single submitter. Criteria: Invitae Variant Classification Sherloc (09022015). Collection method: clinical testing. Allele origin: germline.
Comment: This sequence change replaces threonine, which is neutral and polar, with isoleucine, which is neutral and non-polar, at codon 578 of the SDHA protein (p.Thr578Ile). This variant is present in population databases (no rsID available, gnomAD 0.006%). This variant has not been reported in the literature in individuals affected with SDHA-related conditions. ClinVar contains an entry for this variant (Variation ID: 1519923). Advanced modeling of protein sequence and biophysical properties (such as structural, functional, and spatial information, amino acid conservation, physicochemical variation, residue mobility, and thermodynamic stability) performed at Invitae indicates that this missense variant is not expected to disrupt SDHA protein function with a negative predictive value of 95%. In summary, the available evidence is currently insufficient to determine the role of this variant in disease. Therefore, it has been classified as a Variant of Uncertain Significance.

Ambry Genetics
Classification: Uncertain significance for Hereditary cancer-predisposing syndrome. Last evaluated: 2019-09-05. Review status: criteria provided, single submitter. Criteria: Ambry Variant Classification Scheme 2023. Collection method: clinical testing. Allele origin: germline.
Comment: The p.T578I variant (also known as c.1733C>T), located in coding exon 13 of the SDHA gene, results from a C to T substitution at nucleotide position 1733. The threonine at codon 578 is replaced by isoleucine, an amino acid with similar properties. This amino acid position is highly conserved in available vertebrate species. In addition, this alteration is predicted to be deleterious by in silico analysis. Since supporting evidence is limited at this time, the clinical significance of this alteration remains unclear.